The following is an entry in ClinVar:

ClinVar aggregate classification (germline): Benign (1 of 4 stars; one submission).

Conditions:
Cleidocranial dysostosis (CLCD1). Also called: cleidocranial dysplasia 1; Marie-Sainton disease; Cleidocranial Dysplasia Spectrum Disorder. Identifiers: Orphanet 1452, MedGen C0008928, MONDO:0007340, OMIM 119600.

Allele frequency attached by ClinVar (database versions not stated): gnomAD 0.00216 and 0.00223; TOPMed 0.00243; 1000 Genomes Project 30x 0.00250; 1000 Genomes Project 0.00260.

Submission:

Illumina Laboratory Services, Illumina
Classification: Benign for Cleidocranial dysostosis. Last evaluated: 2018-01-12. Review status: criteria provided, single submitter. Criteria: ICSL Variant Classification Criteria 13 December 2019. Collection method: clinical testing. Allele origin: germline.
Comment: This variant was observed in the ICSL laboratory as part of a predisposition screen in an ostensibly healthy population. It had not been previously curated by ICSL or reported in the Human Gene Mutation Database (HGMD: prior to June 1st, 2018), and was therefore a candidate for classification through an automated scoring system. Utilizing variant allele frequency, disease prevalence and penetrance estimates, and inheritance mode, an automated score was calculated to assess if this variant is too frequent to cause the disease. Based on the score and internal cut-off values, a variant classified as benign is not then subjected to further curation. The score for this variant resulted in a classification of benign for this disease.

NM_001024630.4(RUNX2):c.*3159C>T

Gene: RUNX2 (RUNX family transcription factor 2; plus strand). Cytogenetic location: 6p21.1.
Variant type: single nucleotide variant.
Coding change: c.*3159C>T on transcript NM_001024630.4 (MANE Select); 3159 bases downstream of the stop codon, C replaced by T.
Molecular consequence: 3 prime UTR variant.
Genome position (GRCh38, 1-based): chr6:45,550,464, C>T. VCF-style: chr6-45550464-C-T. GRCh37 (hg19) VCF-style: chr6-45518201-C-T.
Other names: c.*3159C>T (NM_001015051.4, NM_001278478.2, NM_001369405.1).
Identifiers: ClinVar variation 357140 (VCV000357140.5), dbSNP rs138689945, ClinGen allele CA10624190.
Genomic context (GRCh38, chr6:45,550,464, plus strand): 5'-ATCTGTGATAAATTCAGAAGGGAGGAGATGTGTGTACAGCTTTAAGGATTCCCTCAATTC[C>T]GAGGAAAGGGACTGGCCCAGAATCCAGGTTAATACATGGAAACACGAAGCATTAGCAAAA-3'